The following is an entry in ClinVar:

NM_005343.4(HRAS):c.*5+20C>T

Genes: HRAS (HRas proto-oncogene, GTPase; minus strand), LRRC56 (leucine rich repeat containing 56; plus strand). Cytogenetic location: 11p15.5.
Variant type: single nucleotide variant.
Coding change: c.*5+20C>T on transcript NM_005343.4 (MANE Select); 20 bases into the intron after 5 bases downstream of the stop codon, C replaced by T.
Molecular consequence: intron variant. On other transcripts: 3 prime UTR variant (2).
Genome position (GRCh38, 1-based): chr11:532,611, G>A on the plus strand (C>T on the coding strand, the complement: HRAS is on the minus strand). VCF-style: chr11-532611-G-A. GRCh37 (hg19) VCF-style: chr11-532611-G-A.
Other names: c.*25C>T (NM_001130442.3); c.*164C>T (NM_176795.5); c.*5+20C>T (NM_001318054.2).
Identifiers: ClinVar variation 377968 (VCV000377968.2), dbSNP rs756277885, ClinGen allele CA5779205.

ClinVar aggregate classification (germline): Benign. Review status: criteria provided, multiple submitters, no conflicts (2 of 4 stars). 2 submissions from 2 submitters: Benign (2). Last evaluated 2015-03-10.

Allele frequency attached by ClinVar (database versions not stated): gnomAD 0.00007; TOPMed 0.00009; ExAC 0.00010; gnomAD exomes 0.00010.
gnomAD v4.1: 78 of 1,604,090 alleles (0.0049%); highest among the groups gnomAD compares: Middle Eastern, 0.085%; 1 homozygote.

Submissions (2):

GeneDx
Classification: Benign. Last evaluated: 2015-03-10. Review status: criteria provided, single submitter. Criteria: GeneDx Variant Classification (06012015). Collection method: clinical testing. Allele origin: germline. Affected: yes.
Comment: This variant is considered likely benign or benign based on one or more of the following criteria: it is a conservative change, it occurs at a poorly conserved position in the protein, it is predicted to be benign by multiple in silico algorithms, and/or has population frequency not consistent with disease.

Breakthrough Genomics
Classification: Benign. Review status: criteria provided, single submitter. Criteria: ACMG Guidelines, 2015. Collection method: not provided. Allele origin: germline. Inheritance: Autosomal dominant inheritance. Affected: yes.